The following is an entry in ClinVar:

ClinVar aggregate classification (germline): Pathogenic. Review status: criteria provided, multiple submitters, no conflicts (2 of 4 stars). 3 submissions from 3 submitters: Pathogenic (3). Last evaluated 2026-01-11.

Conditions:
BAP1-related tumor predisposition syndrome (TPDS1). Also called: Tumor susceptibility linked to germline BAP1 mutations; BAP1 tumor predisposition syndrome; COMMON Syndrome; TUMOR PREDISPOSITION SYNDROME 1. Identifiers: Orphanet 289539, MedGen C3280492, MONDO:0013692, OMIM 614327.
Hereditary cancer-predisposing syndrome. Also called: Neoplastic Syndromes, Hereditary; Tumor predisposition; Hereditary Cancer Syndrome; Hereditary neoplastic syndrome. Identifiers: Orphanet 140162, MedGen C0027672, MeSH D009386, MONDO:0015356.

gnomAD v4.1: 1 of 1,613,820 alleles (0.000062%); no homozygotes.

Submissions (3):

Labcorp Genetics (formerly Invitae), Labcorp
Classification: Pathogenic for BAP1-related tumor predisposition syndrome. Last evaluated: 2026-01-11. Review status: criteria provided, single submitter. Criteria: Invitae Variant Classification Sherloc (09022015). Collection method: clinical testing. Allele origin: germline.
Comment: This sequence change creates a premature translational stop signal (p.Arg385*) in the BAP1 gene. It is expected to result in an absent or disrupted protein product. Loss-of-function variants in BAP1 are known to be pathogenic (PMID: 21874000, 23684012). This variant is not present in population databases (gnomAD no frequency). This premature translational stop signal has been observed in individual(s) with mesothelioma, cutaneous melanoma and/or uveal melanoma (PMID: 22545102, 25974357, 27181379). ClinVar contains an entry for this variant (Variation ID: 485271). For these reasons, this variant has been classified as Pathogenic.

Myriad Genetics, Inc.
Classification: Pathogenic for BAP1-related tumor predisposition syndrome. Last evaluated: 2024-11-25. Review status: criteria provided, single submitter. Criteria: Myriad Autosomal Dominant, Autosomal Recessive and X-Linked Classification Criteria (2023). Collection method: clinical testing. Allele origin: unknown.
Comment: This variant is considered pathogenic. This variant creates a termination codon and is predicted to result in premature protein truncation.

Ambry Genetics
Classification: Pathogenic for Hereditary cancer-predisposing syndrome. Last evaluated: 2024-05-22. Review status: criteria provided, single submitter. Criteria: Ambry Variant Classification Scheme 2023. Collection method: clinical testing. Allele origin: germline.
Comment: The p.R385* pathogenic mutation (also known as c.1153C>T), located in coding exon 12 of the BAP1 gene, results from a C to T substitution at nucleotide position 1153. This changes the amino acid from an arginine to a stop codon within coding exon 12. This mutation has been shown to segregate with disease in a family with several BAP1-associated tumors including cutaneous melanoma, ocular melanoma, and atypical melanocytic nevi (Njauw CN et al. PLoS ONE. 2012;7(4):e35295). The p.R385* mutation has also been reported in an individual diagnosed with a meningioma, multiple cutaneous melanomas, as well as meosothelioma (Betti M et al. Cancer Lett. 2016 08;378:120-30). This variant is considered to be rare based on population cohorts in the Genome Aggregation Database (gnomAD). In addition to the clinical data presented in the literature, this alteration is expected to result in loss of function by premature protein truncation or nonsense-mediated mRNA decay. As such, this alteration is interpreted as a disease-causing mutation.

Literature cited by the submitters: PubMed 21874000 (cited by Labcorp Genetics (formerly Invitae), Labcorp); PubMed 23684012 (cited by Labcorp Genetics (formerly Invitae), Labcorp); PubMed 22545102 (cited by Labcorp Genetics (formerly Invitae), Labcorp and Ambry Genetics); PubMed 25974357 (cited by Labcorp Genetics (formerly Invitae), Labcorp); PubMed 27181379 (cited by Labcorp Genetics (formerly Invitae), Labcorp and Ambry Genetics).

NM_004656.4(BAP1):c.1153C>T (p.Arg385Ter)

Gene: BAP1 (BRCA1 associated deubiquitinase 1; minus strand). Cytogenetic location: 3p21.1.
Variant type: single nucleotide variant.
Coding change: c.1153C>T on transcript NM_004656.4 (MANE Select); coding-DNA position 1153, C replaced by T.
Protein change: p.Arg385Ter; replaces arginine 385 with a stop codon.
Molecular consequence: nonsense.
Genome position (GRCh38, 1-based): chr3:52,404,550, G>A on the plus strand (C>T on the coding strand, the complement: BAP1 is on the minus strand). VCF-style: chr3-52404550-G-A. GRCh37 (hg19) VCF-style: chr3-52438566-G-A.
Other names: c.1153C>T (LRG_529t1); short protein forms R385*.
Identifiers: ClinVar variation 485271 (VCV000485271.15), dbSNP rs1553645164, ClinGen allele CA353103322.
Genomic context (GRCh38, chr3:52,404,550, plus strand): 5'-CGTCATCCTCATAGTCATCCTCATCATCTGAGTACTGCTGGGGTGGGCGGACTGGAACTC[G>A]GCTGCGGCCCACACCTGCCGCCAGGTCTTCTTCCTCCTGGGACAAAGACCAGGGCAGTTA-3'